The following is an entry in ClinVar:

ClinVar aggregate classification (germline): Conflicting classifications of pathogenicity. Review status: criteria provided, conflicting classifications (1 of 4 stars). 7 submissions from 7 submitters: Uncertain significance (3); Benign (1); Likely benign (2). 1 of the submissions does not count toward it. Last evaluated 2026-01-19.

Conditions:
Hereditary cancer-predisposing syndrome. Also called: Neoplastic Syndromes, Hereditary; Hereditary Cancer Syndrome; Tumor predisposition; Hereditary neoplastic syndrome. Identifiers: Orphanet 140162, MedGen C0027672, MeSH D009386, MONDO:0015356.
Hereditary diffuse gastric adenocarcinoma (HDGC). Also called: DIFFUSE GASTRIC AND LOBULAR BREAST CANCER SYNDROME. Identifiers: Orphanet 26106, MedGen C1708349, MONDO:0007648, OMIM 137215.
Patterned macular dystrophy 2. Identifiers: Orphanet 99001, MedGen C1837029, MONDO:0012162, OMIM 608970.
CTNNA1-related disorder. Also called: CTNNA1-related condition.

Allele frequency attached by ClinVar (database versions not stated): gnomAD exomes 0.00001 and 0.00004; ExAC 0.00005; TOPMed 0.00008; gnomAD 0.00009; 1000 Genomes Project 30x 0.00016; 1000 Genomes Project 0.00020; ESP Exome Variant Server 0.00031.

Submissions (7):

Labcorp Genetics (formerly Invitae), Labcorp
Classification: Uncertain significance. Last evaluated: 2026-01-19. Review status: criteria provided, single submitter. Criteria: Invitae Variant Classification Sherloc (09022015). Collection method: clinical testing. Allele origin: germline.
Comment: This sequence change replaces glycine, which is neutral and non-polar, with aspartic acid, which is acidic and polar, at codon 168 of the CTNNA1 protein (p.Gly168Asp). This variant is present in population databases (rs139770883, gnomAD 0.04%), and has an allele count higher than expected for a pathogenic variant. This variant has not been reported in the literature in individuals affected with CTNNA1-related conditions. ClinVar contains an entry for this variant (Variation ID: 648689). Invitae Evidence Modeling of protein sequence and biophysical properties (such as structural, functional, and spatial information, amino acid conservation, physicochemical variation, residue mobility, and thermodynamic stability) indicates that this missense variant is not expected to disrupt CTNNA1 protein function with a negative predictive value of 80%. In summary, the available evidence is currently insufficient to determine the role of this variant in disease. Therefore, it has been classified as a Variant of Uncertain Significance.

Myriad Genetics, Inc.
Classification: Likely benign for Hereditary diffuse gastric adenocarcinoma. Last evaluated: 2025-11-26. Review status: criteria provided, single submitter. Criteria: Myriad Autosomal Dominant, Autosomal Recessive and X-Linked Classification Criteria (2023). Collection method: clinical testing. Allele origin: unknown.
Comment: This variant is considered likely benign. Homozygosity has been confirmed in one or more individuals. As homozygosity for pathogenic variants in this gene is generally assumed to result in embryonic lethality, this variant is unlikely to be pathogenic.

GeneDx
Classification: Uncertain significance. Last evaluated: 2023-12-18. Review status: criteria provided, single submitter. Criteria: GeneDx Variant Classification Process June 2021. Collection method: clinical testing. Allele origin: germline.
Comment: In silico analysis supports that this missense variant does not alter protein structure/function; Observed in individuals with unspecified cancer history who underwent multigene panel testing (PMID: 32051609); This variant is associated with the following publications: (PMID: Krishnan[Abstract], 32051609)

Baylor Genetics
Classification: Uncertain significance for Patterned macular dystrophy 2. Last evaluated: 2023-10-11. Review status: criteria provided, single submitter. Criteria: ACMG Guidelines, 2015. Collection method: clinical testing. Allele origin: unknown.

Ambry Genetics
Classification: Likely benign for Hereditary cancer-predisposing syndrome. Last evaluated: 2021-09-13. Review status: criteria provided, single submitter. Criteria: Ambry Variant Classification Scheme 2023. Collection method: clinical testing. Allele origin: germline.

Blueprint Genetics
Classification: Benign. Last evaluated: 2021-08-19. Review status: criteria provided, single submitter. Criteria: ACMG Guidelines, 2015. Collection method: clinical testing. Allele origin: germline.

PreventionGenetics, part of Exact Sciences
Classification: Uncertain significance for CTNNA1-related condition. Last evaluated: 2024-09-21. Review status: no assertion criteria provided. Collection method: clinical testing. Allele origin: germline. Not counted in ClinVar's aggregate classification.
Comment: The CTNNA1 c.503G>A variant is predicted to result in the amino acid substitution p.Gly168Asp. This variant was reported in numerous individuals with or without gastric and/or breast cancer (Supplementary Table 1, Clark et al. 2020. PubMed ID: 32051609). However, this variant is reported in 0.036% of alleles in individuals of African descent in gnomAD, which may be too common to be a primary cause of disease. This variant has been interpreted as likely benign and uncertain in ClinVar. Although we suspect that this variant may be benign, at this time, the clinical significance of this variant is uncertain due to the absence of conclusive functional and genetic evidence.

NM_001903.5(CTNNA1):c.503G>A (p.Gly168Asp)

Gene: CTNNA1 (catenin alpha 1; plus strand). Cytogenetic location: 5q31.2.
Variant type: single nucleotide variant.
Coding change: c.503G>A on transcript NM_001903.5 (MANE Select); coding-DNA position 503, G replaced by A.
Protein change: p.Gly168Asp; replaces glycine 168 with aspartic acid.
Molecular consequence: missense variant.
Genome position (GRCh38, 1-based): chr5:138,812,217, G>A. VCF-style: chr5-138812217-G-A. GRCh37 (hg19) VCF-style: chr5-138147906-G-A.
Other names: c.503G>A (NM_001903.4); c.503G>A, p.Gly168Asp (NM_001290307.3, NM_001323982.2, NM_001323983.1 and 3 more transcripts); c.194G>A, p.Gly65Asp (NM_001290309.3); c.134G>A, p.Gly45Asp (NM_001290310.3); short protein forms G168D, G65D, G45D.
Identifiers: ClinVar variation 648689 (VCV000648689.20), dbSNP rs139770883, ClinGen allele CA3431468.
Genomic context (GRCh38, chr5:138,812,217, plus strand): 5'-GTTTTGGGGTCTTTCTTATTTTATAGGTGGAAGATGGTATCTTGAAGTTGAGGAATGCTG[G>A]CAATGAACAAGACTTAGGAATCCAGTATAAAGCCCTAAAACCTGAAGTGGATAAGCTGAA-3'
Protein context (NP_001894.2, residues 158-178): EDGILKLRNA[Gly168Asp]NEQDLGIQYK